The following is an entry in ClinVar:

ClinVar aggregate classification (germline): Uncertain significance (1 of 4 stars; one submission).

gnomAD v4.1: 1 of 1,613,752 alleles (0.000062%); highest among the groups gnomAD compares: Non-Finnish European, 0.000085%; no homozygotes.

Submission:

GeneDx
Classification: Uncertain significance. Last evaluated: 2025-06-25. Review status: criteria provided, single submitter. Criteria: GeneDx Variant Classification Process June 2021. Collection method: clinical testing. Allele origin: germline. Affected: yes.
Comment: Not observed at significant frequency in large population cohorts (gnomAD); In silico analysis supports that this missense variant has a deleterious effect on protein structure/function; Has not been previously published as pathogenic or benign to our knowledge

NM_018206.6(VPS35):c.280C>G (p.Leu94Val)

Gene: VPS35 (VPS35 retromer complex component; minus strand). Cytogenetic location: 16q11.2.
Variant type: single nucleotide variant.
Coding change: c.280C>G on transcript NM_018206.6 (MANE Select); coding-DNA position 280, C replaced by G.
Protein change: p.Leu94Val; replaces leucine 94 with valine.
Molecular consequence: missense variant.
Genome position (GRCh38, 1-based): chr16:46,681,420, G>C on the plus strand (C>G on the coding strand, the complement: VPS35 is on the minus strand). VCF-style: chr16-46681420-G-C. GRCh37 (hg19) VCF-style: chr16-46715332-G-C.
Other names: short protein forms L94V.
Identifiers: ClinVar variation 4540232 (VCV004540232.1).